The following is an entry in ClinVar:

NM_014920.5(CILK1):c.831+5del

Gene: CILK1 (ciliogenesis associated kinase 1; minus strand). Cytogenetic location: 6p12.1.
Variant type: Deletion.
Coding change: c.831+5del on transcript NM_014920.5 (MANE Select); 5 bases into the intron after coding-DNA position 831, one base deleted (T; older notation c.831+5delT).
Molecular consequence: splice donor variant.
Genome position (GRCh38, 1-based): chr6:53,016,078, A deleted on the plus strand (T on the coding strand, the reverse complement: CILK1 is on the minus strand); the first of 4 consecutive A bases (chr6:53,016,078-53,016,081); deleting any one gives the same sequence. VCF-style (leftmost placement, unchanged base first): chr6-53016077-GA-G. GRCh37 (hg19) VCF-style: chr6-52880875-GA-G.
Other names: c.831+5del (NM_001375397.1, NM_001375400.1, NM_016513.5 and 4 more transcripts); c.831+5delT (NM_016513.4).
Identifiers: ClinVar variation 199140 (VCV000199140.29), dbSNP rs200780900, ClinGen allele CA203778.

ClinVar aggregate classification (germline): Benign/Likely benign. Review status: criteria provided, multiple submitters, no conflicts (2 of 4 stars). 5 submissions from 5 submitters: Benign (3); Likely benign (1). 1 of the submissions does not count toward it. Last evaluated 2026-01-01.

Conditions:
CILK1-related disorder. Also called: CILK1-related condition.

Submissions (5):

Labcorp Genetics (formerly Invitae), Labcorp
Classification: Benign. Last evaluated: 2026-01-01. Review status: criteria provided, single submitter. Criteria: Invitae Variant Classification Sherloc (09022015). Collection method: clinical testing. Allele origin: germline.

ARUP Laboratories, Molecular Genetics and Genomics, ARUP Laboratories
Classification: Benign. Last evaluated: 2024-09-30. Review status: criteria provided, single submitter. Criteria: ARUP Molecular Germline Variant Investigation Process 2024. Collection method: clinical testing. Allele origin: germline.

Center for Pediatric Genomic Medicine, Children's Mercy Hospital and Clinics
Classification: Likely benign. Last evaluated: 2017-07-17. Review status: criteria provided, single submitter. Criteria: ACMG Guidelines, 2015. Collection method: clinical testing. Allele origin: germline.

Eurofins Ntd Llc (ga)
Classification: Benign. Last evaluated: 2015-01-17. Review status: criteria provided, single submitter. Criteria: EGL Classification Definitions 2015. Collection method: clinical testing. Allele origin: germline. Observed: 1 variant allele, 1 heterozygote.

PreventionGenetics, part of Exact Sciences
Classification: Benign for CILK1-related condition. Last evaluated: 2019-05-13. Review status: no assertion criteria provided. Collection method: clinical testing. Allele origin: germline. Not counted in ClinVar's aggregate classification.
Comment: This variant is classified as benign based on ACMG/AMP sequence variant interpretation guidelines (Richards et al. 2015 PMID: 25741868, with internal and published modifications).